The following is an entry in ClinVar:

ClinVar aggregate classification (germline): Pathogenic (1 of 4 stars; one submission).

Submission:

GeneDx
Classification: Pathogenic. Last evaluated: 2026-02-01. Review status: criteria provided, single submitter. Criteria: GeneDx Variant Classification Process June 2021. Collection method: clinical testing. Allele origin: germline.
Comment: Nonsense variant predicted to result in protein truncation, as the last 713 amino acid(s) are lost, and other loss-of-function variants have been reported downstream in HGMD; Identified in an individual with Schaaf-Yang syndrome in published literature (Dadali E.L. et al. (2024) Neuromuscular Diseases. 14 :42-50); Not observed at significant frequency in large population cohorts (gnomAD); This variant is associated with the following publications: (PMID: Dadali2024[CaseReport])

NM_019066.5(MAGEL2):c.1609C>T (p.Gln537Ter)

Gene: MAGEL2 (MAGE family member L2; minus strand). Cytogenetic location: 15q11.2.
Variant type: single nucleotide variant.
Coding change: c.1609C>T on transcript NM_019066.5 (MANE Select); coding-DNA position 1609, C replaced by T.
Protein change: p.Gln537Ter; replaces glutamine 537 with a stop codon.
Molecular consequence: nonsense.
Genome position (GRCh38, 1-based): chr15:23,646,134, G>A on the plus strand (C>T on the coding strand, the complement: MAGEL2 is on the minus strand). VCF-style: chr15-23646134-G-A. GRCh37 (hg19) VCF-style: chr15-23891281-G-A.
Other names: short protein forms Q537*.
Identifiers: ClinVar variation 4888211 (VCV004888211.1).